The following is an entry in ClinVar:

NM_148919.4(PSMB8):c.732C>T (p.Gly244=)

Gene: PSMB8 (proteasome 20S subunit beta 8; minus strand). Cytogenetic location: 6p21.32.
Variant type: single nucleotide variant.
Coding change: c.732C>T on transcript NM_148919.4 (MANE Select); coding-DNA position 732, C replaced by T.
Protein change: p.Gly244=; no amino-acid change (glycine 244 retained).
Molecular consequence: synonymous variant.
Genome position (GRCh38, 1-based): chr6:32,841,541, G>A on the plus strand (C>T on the coding strand, the complement: PSMB8 is on the minus strand). VCF-style: chr6-32841541-G-A. GRCh37 (hg19) VCF-style: chr6-32809318-G-A.
Other names: c.732C>T, p.Gly244= (LRG_1328t1); c.720C>T, p.Gly240= (LRG_1328t2, NM_004159.5).
Identifiers: ClinVar variation 533961 (VCV000533961.24), dbSNP rs78909544, ClinGen allele CA3746306.

ClinVar aggregate classification (germline): Benign/Likely benign. Review status: criteria provided, multiple submitters, no conflicts (2 of 4 stars). 7 submissions from 7 submitters: Benign (1); Likely benign (5). 1 of the submissions does not count toward it. Last evaluated 2026-01-23.

Conditions:
Proteosome-associated autoinflammatory syndrome. Also called: Proteasome-associated autoinflammatory syndrome. Identifiers: Orphanet 324977, MedGen C1850568, MONDO:0009726.
PSMB8-related disorder. Also called: PSMB8-related condition.
Autoinflammatory syndrome. Identifiers: Orphanet 93665, MedGen C3890737, MONDO:0019751.
Proteasome-associated autoinflammatory syndrome 1 (PRAAS1). Also called: Nakajo syndrome; JOINT CONTRACTURES, MUSCULAR ATROPHY, MICROCYTIC ANEMIA, AND PANNICULITIS-INDUCED LIPODYSTROPHY; JMP SYNDROME; AUTOINFLAMMATION, LIPODYSTROPHY, AND DERMATOSIS SYNDROME; NAKAJO-NISHIMURA SYNDROME; CHRONIC ATYPICAL NEUTROPHILIC DERMATOSIS WITH LIPODYSTROPHY AND ELEVATED TEMPERATURE SYNDROME. Identifiers: Orphanet 2615, Orphanet 324977, Orphanet 324999, Orphanet 325004, MedGen C4746851, MONDO:0054698, OMIM 256040.

Allele frequency attached by ClinVar (database versions not stated): gnomAD exomes 0.00040 and 0.00053; ExAC 0.00050; gnomAD 0.00170 and 0.00175; 1000 Genomes Project 0.00200; TOPMed 0.00201; ESP Exome Variant Server 0.00213; 1000 Genomes Project 30x 0.00250.
gnomAD v4.1: 842 of 1,612,132 alleles (0.052%); highest among the groups gnomAD compares: African/African-American, 0.54%; 1 homozygote.

Submissions (15):

Women's Health and Genetics/Laboratory Corporation of America, LabCorp
Classification: Likely benign. Last evaluated: 2026-01-23. Review status: criteria provided, single submitter. Criteria: LabCorp Variant Classification Summary - May 2015. Collection method: clinical testing. Allele origin: germline.

Labcorp Genetics (formerly Invitae), Labcorp
Classification: Benign for Proteosome-associated autoinflammatory syndrome. Last evaluated: 2026-01-22. Review status: criteria provided, single submitter. Criteria: Invitae Variant Classification Sherloc (09022015). Collection method: clinical testing. Allele origin: germline.

Blueprint Genetics
Classification: Likely benign. Last evaluated: 2024-10-22. Review status: criteria provided, single submitter. Criteria: ACMG Guidelines, 2015. Collection method: clinical testing. Allele origin: germline.

Genome Diagnostics Laboratory, The Hospital for Sick Children
Classification: Likely benign for Autoinflammatory syndrome. Last evaluated: 2020-08-21. Review status: criteria provided, single submitter. Criteria: ACMG Guidelines, 2015. Collection method: clinical testing. Allele origin: germline. Affected: yes.

Illumina Laboratory Services, Illumina
Classification: Likely benign for Proteasome-associated autoinflammatory syndrome 1. Last evaluated: 2018-03-06. Review status: criteria provided, single submitter. Criteria: ICSL Variant Classification Criteria 13 December 2019. Collection method: clinical testing. Allele origin: germline.
Comment: This variant was observed in the ICSL laboratory as part of a predisposition screen in an ostensibly healthy population. It had not been previously curated by ICSL or reported in the Human Gene Mutation Database (HGMD: prior to June 1st, 2018), and was therefore a candidate for classification through an automated scoring system. Utilizing variant allele frequency, disease prevalence and penetrance estimates, and inheritance mode, an automated score was calculated to assess if this variant is too frequent to cause the disease. Based on the score and internal cut-off values, a variant classified as likely benign is not then subjected to further curation. The score for this variant resulted in a classification of likely benign for this disease.

Breakthrough Genomics
Classification: Likely benign. Review status: criteria provided, single submitter. Criteria: ACMG Guidelines, 2015. Collection method: not provided. Allele origin: germline. Inheritance: Autosomal recessive inheritance. Affected: yes.

PreventionGenetics, part of Exact Sciences
Classification: Likely benign for PSMB8-related condition. Last evaluated: 2019-08-09. Review status: no assertion criteria provided. Collection method: clinical testing. Allele origin: germline. Not counted in ClinVar's aggregate classification.
Comment: This variant is classified as likely benign based on ACMG/AMP sequence variant interpretation guidelines (Richards et al. 2015 PMID: 25741868, with internal and published modifications).

Dr. Peter K. Rogan Lab, Western University
No classification provided (evidence only). Condition: Clear cell carcinoma of kidney. Review status: no classification provided. Collection method: in vitro. Allele origin: not applicable. Functional consequence: retained intron. Not counted in ClinVar's aggregate classification.

Dr. Peter K. Rogan Lab, Western University
No classification provided (evidence only). Condition: Familial cancer of breast. Review status: no classification provided. Collection method: in vitro. Allele origin: not applicable. Functional consequence: skipped exon, retained intron. Not counted in ClinVar's aggregate classification.

Dr. Peter K. Rogan Lab, Western University
No classification provided (evidence only). Condition: Familial cancer of breast. Review status: no classification provided. Collection method: in vitro. Allele origin: not applicable. Functional consequence: retained intron. Not counted in ClinVar's aggregate classification.

Dr. Peter K. Rogan Lab, Western University
No classification provided (evidence only). Condition: Acute myeloid leukemia. Review status: no classification provided. Collection method: in vitro. Allele origin: not applicable. Functional consequence: skipped exon, retained intron. Not counted in ClinVar's aggregate classification.

Dr. Peter K. Rogan Lab, Western University
No classification provided (evidence only). Condition: Uterine corpus endometrial carcinoma. Review status: no classification provided. Collection method: in vitro. Allele origin: not applicable. Functional consequence: skipped exon, retained intron. Not counted in ClinVar's aggregate classification.

Dr. Peter K. Rogan Lab, Western University
No classification provided (evidence only). Condition: Uterine corpus endometrial carcinoma. Review status: no classification provided. Collection method: in vitro. Allele origin: not applicable. Functional consequence: skipped exon, retained intron. Not counted in ClinVar's aggregate classification.

Dr. Peter K. Rogan Lab, Western University
No classification provided (evidence only). Condition: Uveal melanoma. Review status: no classification provided. Collection method: in vitro. Allele origin: not applicable. Functional consequence: retained intron. Not counted in ClinVar's aggregate classification.

Dr. Peter K. Rogan Lab, Western University
No classification provided (evidence only). Condition: Malignant tumor of esophagus. Review status: no classification provided. Collection method: in vitro. Allele origin: not applicable. Functional consequence: skipped exon, retained intron. Not counted in ClinVar's aggregate classification.